The following is an entry in ClinVar:

NM_001032386.2(SUOX):c.302G>A (p.Trp101Ter)

Gene: SUOX (sulfite oxidase; plus strand). Cytogenetic location: 12q13.2.
Variant type: single nucleotide variant.
Coding change: c.302G>A on transcript NM_001032386.2 (MANE Select); coding-DNA position 302, G replaced by A.
Protein change: p.Trp101Ter; replaces tryptophan 101 with a stop codon.
Molecular consequence: nonsense.
Genome position (GRCh38, 1-based): chr12:56,003,691, G>A. VCF-style: chr12-56003691-G-A. GRCh37 (hg19) VCF-style: chr12-56397475-G-A.
Other names: c.302G>A, p.Trp101Ter (NM_000456.3, NM_001032387.2); short protein forms W101*.
Identifiers: ClinVar variation 3012958 (VCV003012958.4), dbSNP rs867210538, ClinGen allele CA237605120.

ClinVar aggregate classification (germline): Pathogenic/Likely pathogenic. Review status: criteria provided, multiple submitters, no conflicts (2 of 4 stars). 2 submissions from 2 submitters: Pathogenic (1); Likely pathogenic (1). Last evaluated 2023-03-09.

Conditions:
Sulfite oxidase deficiency. Also called: Isolated sulfite oxidase deficiency. Identifiers: Orphanet 833, Orphanet 99731, MedGen C0268624, MONDO:0010089, OMIM 272300, HP:0003643.
SUOX-related disorder. Also called: SUOX-related condition.

Allele frequency attached by ClinVar (database versions not stated): gnomAD 0.00001; gnomAD exomes 0.00001; TOPMed 0.00001.
gnomAD v4.1: 13 of 1,613,420 alleles (0.00081%); highest among the groups gnomAD compares: Non-Finnish European, 0.00076%; no homozygotes.

Submissions (2):

Labcorp Genetics (formerly Invitae), Labcorp
Classification: Pathogenic for Sulfite oxidase deficiency. Last evaluated: 2023-03-09. Review status: criteria provided, single submitter. Criteria: Invitae Variant Classification Sherloc (09022015). Collection method: clinical testing. Allele origin: germline.
Comment: This sequence change creates a premature translational stop signal (p.Trp101*) in the SUOX gene. While this is not anticipated to result in nonsense mediated decay, it is expected to disrupt the last 445 amino acid(s) of the SUOX protein. This variant is present in population databases (no rsID available, gnomAD 0.002%). This variant has not been reported in the literature in individuals affected with SUOX-related conditions. This variant disrupts a region of the SUOX protein in which other variant(s) (p.Arg529*) have been determined to be pathogenic (PMID: 17940249, 28980090). This suggests that this is a clinically significant region of the protein, and that variants that disrupt it are likely to be disease-causing. For these reasons, this variant has been classified as Pathogenic.

Blueprint Genetics
Classification: Likely pathogenic for SUOX-related disorders. Last evaluated: 2022-04-04. Review status: criteria provided, single submitter. Criteria: ACMG Guidelines, 2015. Collection method: clinical testing. Allele origin: germline. Affected: yes. Observed: 3 variant alleles.

Literature cited by the submitters: PubMed 17940249 (cited by Labcorp Genetics (formerly Invitae), Labcorp); PubMed 28980090 (cited by Labcorp Genetics (formerly Invitae), Labcorp).